The following is an entry in ClinVar:

ClinVar aggregate classification (germline): Likely pathogenic (1 of 4 stars; one submission).

Conditions:
Developmental and epileptic encephalopathy, 5 (DEE5). Identifiers: Orphanet 3451, MedGen C3150731, MONDO:0013277, OMIM 613477.

Submission:

Institute of Human Genetics, University of Leipzig Medical Center
Classification: Likely pathogenic for Developmental and epileptic encephalopathy, 5. Last evaluated: 2022-05-25. Review status: criteria provided, single submitter. Criteria: ACMG Guidelines, 2015. Collection method: clinical testing. Allele origin: paternal. Inheritance: Autosomal dominant inheritance. Affected: yes.
Comment: Criteria applied: PVS1_STR,PM2_SUP,PP1

NM_001130438.3(SPTAN1):c.1462-2A>G

Gene: SPTAN1 (spectrin alpha, non-erythrocytic 1; plus strand). Cytogenetic location: 9q34.11.
Variant type: single nucleotide variant.
Coding change: c.1462-2A>G on transcript NM_001130438.3 (MANE Select); the canonical splice acceptor site of the intron before coding-DNA position 1462, A replaced by G.
Molecular consequence: splice acceptor variant.
Genome position (GRCh38, 1-based): chr9:128,581,780, A>G. VCF-style: chr9-128581780-A-G. GRCh37 (hg19) VCF-style: chr9-131344059-A-G.
Other names: c.1498-2A>G (NM_001375318.1, NM_001375312.2); c.1462-2A>G (NM_001375311.2, NM_001375314.2, NM_001375310.1 and 5 more transcripts).
Identifiers: ClinVar variation 3068483 (VCV003068483.2), dbSNP rs2541133807, ClinGen allele CA375054023.
Genomic context (GRCh38, chr9:128,581,780, plus strand): 5'-CACAGTCTTAGAAGATCAAAGGAATAGGACATTATTCTGAACACTTTGTTTCCTTTGGCA[A>G]GGCGTTCCTGTTGAATGAAGACTTGGGAGATTCCTTGGATAGTGTGGAAGCGCTTCTTAA-3'